The following is an entry in ClinVar:

ClinVar aggregate classification (germline): Uncertain significance (1 of 4 stars; one submission).

Submission:

GeneDx
Classification: Uncertain significance. Last evaluated: 2026-03-06. Review status: criteria provided, single submitter. Criteria: GeneDx Variant Classification Process June 2021. Collection method: clinical testing. Allele origin: germline.
Comment: Not observed at significant frequency in large population cohorts (gnomAD); In silico analysis suggests that this missense variant does not alter protein structure/function; Has not been previously published as pathogenic or benign to our knowledge

NM_007327.4(GRIN1):c.1070A>G (p.Gln357Arg)

Gene: GRIN1 (glutamate ionotropic receptor NMDA type subunit 1; plus strand). Cytogenetic location: 9q34.3.
Variant type: single nucleotide variant.
Coding change: c.1070A>G on transcript NM_007327.4 (MANE Select); coding-DNA position 1070, A replaced by G.
Protein change: p.Gln357Arg; replaces glutamine 357 with arginine.
Molecular consequence: missense variant.
Genome position (GRCh38, 1-based): chr9:137,158,480, A>G. VCF-style: chr9-137158480-A-G. GRCh37 (hg19) VCF-style: chr9-140052932-A-G.
Other names: c.1070A>G, p.Gln357Arg (NM_000832.7, NM_021569.4); c.1133A>G, p.Gln378Arg (NM_001185090.2, NM_001185091.2, NM_001437330.1 and 1 more transcripts); short protein forms Q357R, Q378R.
Identifiers: ClinVar variation 5008735 (VCV005008735.1).
Genomic context (GRCh38, chr9:137,158,480, plus strand): 5'-GCGTGGAGTTCAATGAGGATGGGGACCGGAAGTTCGCCAACTACAGCATCATGAACCTGC[A>G]GAACCGCAAGCTGGTGCAAGTGGGCATCTACAATGGCACCCACGTAGGTGGGGGTCATGA-3'
Protein context (NP_015566.1, residues 347-367): KFANYSIMNL[Gln357Arg]NRKLVQVGIY